The following is an entry in ClinVar:

ClinVar aggregate classification (germline): Uncertain significance (1 of 4 stars; one submission).

Allele frequency attached by ClinVar (database versions not stated): ExAC 0.00001; TOPMed 0.00002.

Submission:

Labcorp Genetics (formerly Invitae), Labcorp
Classification: Uncertain significance. Last evaluated: 2022-04-08. Review status: criteria provided, single submitter. Criteria: Invitae Variant Classification Sherloc (09022015). Collection method: clinical testing. Allele origin: germline.
Comment: This sequence change replaces histidine, which is basic and polar, with arginine, which is basic and polar, at codon 276 of the CAD protein (p.His276Arg). This variant is present in population databases (rs768018252, gnomAD 0.003%). This variant has not been reported in the literature in individuals affected with CAD-related conditions. Algorithms developed to predict the effect of missense changes on protein structure and function are either unavailable or do not agree on the potential impact of this missense change (SIFT: "Deleterious"; PolyPhen-2: "Probably Damaging"; Align-GVGD: "Class C0"). In summary, the available evidence is currently insufficient to determine the role of this variant in disease. Therefore, it has been classified as a Variant of Uncertain Significance.

NM_004341.5(CAD):c.827A>G (p.His276Arg)

Gene: CAD (carbamoyl-phosphate synthetase 2, aspartate transcarbamylase, and dihydroorotase; plus strand). Cytogenetic location: 2p23.3.
Variant type: single nucleotide variant.
Coding change: c.827A>G on transcript NM_004341.5 (MANE Select); coding-DNA position 827, A replaced by G.
Protein change: p.His276Arg; replaces histidine 276 with arginine.
Molecular consequence: missense variant.
Genome position (GRCh38, 1-based): chr2:27,223,580, A>G. VCF-style: chr2-27223580-A-G. GRCh37 (hg19) VCF-style: chr2-27446448-A-G.
Other names: c.827A>G, p.His276Arg (NM_001306079.2); short protein forms H276R.
Identifiers: ClinVar variation 2084622 (VCV002084622.1), dbSNP rs768018252, ClinGen allele CA1572537.
Genomic context (GRCh38, chr2:27,223,580, plus strand): 5'-GAGGGTGAGCAGGGCCTGTGACTCGGCATGCTTCTACCTCCAGATATGGGAACCGAGGCC[A>G]TAACCAGCCCTGCTTGTTGGTGGGCTCTGGGCGCTGCTTTCTGACATCCCAGAACCATGG-3'
Protein context (NP_004332.2, residues 266-286): TYKMRYGNRG[His276Arg]NQPCLLVGSG